The following is an entry in ClinVar:

ClinVar aggregate classification (germline): Uncertain significance (1 of 4 stars; one submission).

gnomAD v4.1: 1 of 1,613,166 alleles (0.000062%); highest among the groups gnomAD compares: Non-Finnish European, 0.000085%; no homozygotes.

Submission:

GeneDx
Classification: Uncertain significance. Last evaluated: 2023-05-25. Review status: criteria provided, single submitter. Criteria: GeneDx Variant Classification Process June 2021. Collection method: clinical testing. Allele origin: germline. Affected: yes.
Comment: Not observed at significant frequency in large population cohorts (gnomAD); In silico analysis supports that this missense variant has a deleterious effect on protein structure/function; Has not been previously published as pathogenic or benign to our knowledge

NM_014991.6(WDFY3):c.1931T>A (p.Val644Asp)

Genes: WDFY3 (WD repeat and FYVE domain containing 3; minus strand), WDFY3-AS1 (WDFY3 antisense RNA 1; plus strand). Cytogenetic location: 4q21.23.
Variant type: single nucleotide variant.
Coding change: c.1931T>A on transcript NM_014991.6 (MANE Select); coding-DNA position 1931, T replaced by A.
Protein change: p.Val644Asp; replaces valine 644 with aspartic acid.
Molecular consequence: missense variant. On other transcripts: non-coding transcript variant (1).
Genome position (GRCh38, 1-based): chr4:84,810,301, A>T on the plus strand (T>A on the coding strand, the complement: WDFY3 is on the minus strand). VCF-style: chr4-84810301-A-T. GRCh37 (hg19) VCF-style: chr4-85731454-A-T.
Other names: short protein forms V644D.
Identifiers: ClinVar variation 3361940 (VCV003361940.1).